The following is an entry in ClinVar:

NM_032578.4(MYPN):c.3136A>C (p.Thr1046Pro)

Gene: MYPN (myopalladin; plus strand). Cytogenetic location: 10q21.3.
Variant type: single nucleotide variant.
Coding change: c.3136A>C on transcript NM_032578.4 (MANE Select); coding-DNA position 3136, A replaced by C.
Protein change: p.Thr1046Pro; replaces threonine 1046 with proline.
Molecular consequence: missense variant. On other transcripts: non-coding transcript variant (2).
Genome position (GRCh38, 1-based): chr10:68,195,510, A>C. VCF-style: chr10-68195510-A-C. GRCh37 (hg19) VCF-style: chr10-69955267-A-C.
Other names: c.3136A>C, p.Thr1046Pro (NM_001256267.2); c.2254A>C, p.Thr752Pro (NM_001256268.2); short protein forms T752P, T1046P.
Identifiers: ClinVar variation 942308 (VCV000942308.15), dbSNP rs374007615, ClinGen allele CA5522956.

ClinVar aggregate classification (germline): Uncertain significance. Review status: criteria provided, multiple submitters, no conflicts (2 of 4 stars). 5 submissions from 5 submitters: Uncertain significance (5). Last evaluated 2025-06-17.

Conditions:
Dilated cardiomyopathy 1KK (CMD1KK). Identifiers: Orphanet 154, Orphanet 75249, MedGen C3714995, MONDO:0014100, OMIM 615248.
MYPN-related myopathy (CMYO24). Also called: Nemaline myopathy 11, autosomal recessive. Identifiers: MedGen C4479186, MONDO:0015023, OMIM 617336.
Cardiovascular phenotype. Identifiers: MedGen CN230736.

Allele frequency attached by ClinVar (database versions not stated): gnomAD 0.00001 and 0.00002; gnomAD exomes 0.00002 and 0.00005; TOPMed 0.00007; ESP Exome Variant Server 0.00008; ExAC 0.00002.
gnomAD v4.1: 33 of 1,613,922 alleles (0.002%); highest among the groups gnomAD compares: Admixed American, 0.025%; no homozygotes.

Submissions (5):

Dasa
Classification: Uncertain significance. Last evaluated: 2025-06-17. Review status: criteria provided, single submitter. Criteria: DASA Assertion Criteria. Collection method: clinical testing. Allele origin: germline.
Comment: NM_032578.4(MYPN):c.3136A>C (p.Thr1046Pro) is a missense variant that results in the substitution of threonine with proline. This variant is rare in population databases. Computational prediction algorithms are consistent with a benign effect. The currently available literature and clinical evidence are not sufficient to establish a definitive association between this variant and the reported condition. Therefore, this variant is classified as a variant of uncertain significance.

GeneDx
Classification: Uncertain significance. Last evaluated: 2025-04-29. Review status: criteria provided, single submitter. Criteria: GeneDx Variant Classification Process June 2021. Collection method: clinical testing. Allele origin: germline. Affected: yes.
Comment: In silico analysis indicates that this missense variant does not alter protein structure/function; Has not been previously published as pathogenic or benign to our knowledge

Ambry Genetics
Classification: Uncertain significance for Cardiovascular phenotype. Last evaluated: 2025-01-21. Review status: criteria provided, single submitter. Criteria: Ambry Variant Classification Scheme 2023. Collection method: clinical testing. Allele origin: germline.
Comment: The p.T1046P variant (also known as c.3136A>C), located in coding exon 14 of the MYPN gene, results from an A to C substitution at nucleotide position 3136. The threonine at codon 1046 is replaced by proline, an amino acid with highly similar properties. This amino acid position is conserved. In addition, this alteration is predicted to be tolerated by in silico analysis. Since supporting evidence is limited at this time, the clinical significance of this alteration remains unclear.

Labcorp Genetics (formerly Invitae), Labcorp
Classification: Uncertain significance for Dilated cardiomyopathy 1KK. Last evaluated: 2022-09-01. Review status: criteria provided, single submitter. Criteria: Invitae Variant Classification Sherloc (09022015). Collection method: clinical testing. Allele origin: germline.
Comment: This sequence change replaces threonine, which is neutral and polar, with proline, which is neutral and non-polar, at codon 1046 of the MYPN protein (p.Thr1046Pro). This variant is present in population databases (rs374007615, gnomAD 0.02%). This variant has not been reported in the literature in individuals affected with MYPN-related conditions. ClinVar contains an entry for this variant (Variation ID: 942308). Algorithms developed to predict the effect of missense changes on protein structure and function (SIFT, PolyPhen-2, Align-GVGD) all suggest that this variant is likely to be tolerated. In summary, the available evidence is currently insufficient to determine the role of this variant in disease. Therefore, it has been classified as a Variant of Uncertain Significance.

Fulgent Genetics
Classification: Uncertain significance for Dilated cardiomyopathy 1KK; MYPN-related myopathy. Last evaluated: 2021-09-10. Review status: criteria provided, single submitter. Criteria: ACMG Guidelines, 2015. Collection method: clinical testing. Allele origin: unknown.